The following is an entry in ClinVar:

NC_000017.11:g.(?_58692634)_(58703339_?)del

Gene: RAD51C (RAD51 paralog C; plus strand). Cytogenetic location: 17q22.
Variant type: Deletion.
Identifiers: ClinVar variation 832404 (VCV000832404.2).

ClinVar aggregate classification (germline): Pathogenic (1 of 4 stars; one submission).

Conditions:
Fanconi anemia complementation group O. Also called: RAD51C-Related Fanconi Anemia. Identifiers: Orphanet 84, MedGen C3150653, MONDO:0013248, OMIM 613390.

Submission:

Labcorp Genetics (formerly Invitae), Labcorp
Classification: Pathogenic for Fanconi anemia complementation group O. Last evaluated: 2019-06-12. Review status: criteria provided, single submitter. Criteria: Invitae Variant Classification Sherloc (09022015). Collection method: clinical testing. Allele origin: germline.
Comment: This variant is a gross deletion of the genomic region encompassing exons 1-4 of the RAD51C gene, which includes the initiator codon. The 5' end of this event is unknown as it extends beyond the assayed region for this gene and therefore may encompass additional genes. The 3' boundary is likely confined to intron 4 of the RAD51C gene. This is expected to result in an absent or disrupted protein product. This variant has not been reported in the literature in individuals with RAD51C-related conditions. Loss-of-function variants in RAD51C are known to be pathogenic (PMID: 20400964, 21990120, 24800917). For these reasons, this variant has been classified as Pathogenic.

Literature cited by the submitters: PubMed 20400964; PubMed 21990120; PubMed 24800917.